The following is an entry in ClinVar:

ClinVar aggregate classification (germline): Likely pathogenic (1 of 4 stars; one submission).

Submission:

Labcorp Genetics (formerly Invitae), Labcorp
Classification: Likely pathogenic. Last evaluated: 2022-10-26. Review status: criteria provided, single submitter. Criteria: Invitae Variant Classification Sherloc (09022015). Collection method: clinical testing. Allele origin: germline.
Comment: In summary, the currently available evidence indicates that the variant is pathogenic, but additional data are needed to prove that conclusively. Therefore, this variant has been classified as Likely Pathogenic. Advanced modeling of protein sequence and biophysical properties (such as structural, functional, and spatial information, amino acid conservation, physicochemical variation, residue mobility, and thermodynamic stability) has been performed at Invitae for this missense variant, however the output from this modeling did not meet the statistical confidence thresholds required to predict the impact of this variant on CACNA1G protein function. This missense change has been observed in individual(s) with CACNA1G-related conditions (Invitae). In at least one individual the variant was observed to be de novo. This variant is not present in population databases (gnomAD no frequency). This sequence change replaces arginine, which is basic and polar, with serine, which is neutral and polar, at codon 113 of the CACNA1G protein (p.Arg113Ser).

NM_018896.5(CACNA1G):c.337C>A (p.Arg113Ser)

Gene: CACNA1G (calcium voltage-gated channel subunit alpha1 G; plus strand). Cytogenetic location: 17q21.33.
Variant type: single nucleotide variant.
Coding change: c.337C>A on transcript NM_018896.5 (MANE Select); coding-DNA position 337, C replaced by A.
Protein change: p.Arg113Ser; replaces arginine 113 with serine.
Molecular consequence: missense variant. On other transcripts: non-coding transcript variant (5).
Genome position (GRCh38, 1-based): chr17:50,568,964, C>A. VCF-style: chr17-50568964-C-A. GRCh37 (hg19) VCF-style: chr17-48646325-C-A.
Other names: c.337C>A, p.Arg113Ser (NM_001256331.2, NM_001256332.2, NM_001256333.2 and 24 more transcripts); short protein forms R113S.
Identifiers: ClinVar variation 1718753 (VCV001718753.6), dbSNP rs1264202646, ClinGen allele CA400226597.